The following is an entry in ClinVar:

ClinVar aggregate classification (germline): Pathogenic. Review status: criteria provided, single submitter (1 of 4 stars). 2 submissions from 2 submitters: Pathogenic (1). 1 of the submissions does not count toward it. Last evaluated 2020-11-27.

Conditions:
Familial thoracic aortic aneurysm and aortic dissection (TAAD). Also called: Thoracic aortic aneurysms and dissections. Identifiers: Orphanet 91387, MedGen C4707243, MONDO:0019625.
Marfan syndrome (MFS). Also called: Marfan syndrome type 1; Marfan syndrome, classic; Marfan's syndrome; FBN1-Related Marfan Syndrome; MARFAN SYNDROME, TYPE I. Identifiers: Orphanet 284963, Orphanet 558, MedGen C0024796, MONDO:0007947, OMIM 154700.

Submissions (2):

Labcorp Genetics (formerly Invitae), Labcorp
Classification: Pathogenic for Marfan syndrome; Familial thoracic aortic aneurysm and aortic dissection. Last evaluated: 2020-11-27. Review status: criteria provided, single submitter. Criteria: Invitae Variant Classification Sherloc (09022015). Collection method: clinical testing. Allele origin: germline.
Comment: For these reasons, this variant has been classified as Pathogenic. Loss-of-function variants in FBN1 are known to be pathogenic (PMID: 17657824, 19293843). Algorithms developed to predict the effect of sequence changes on RNA splicing suggest that this variant may create or strengthen a splice site, but this prediction has not been confirmed by published transcriptional studies. This variant has not been reported in the literature in individuals with FBN1-related conditions. ClinVar contains an entry for this variant (Variation ID: 549389). This variant is not present in population databases (ExAC no frequency). This sequence change creates a premature translational stop signal (p.Ser2361*) in the FBN1 gene. It is expected to result in an absent or disrupted protein product.

Center for Medical Genetics Ghent, University of Ghent
Classification: Pathogenic for Marfan syndrome. Last evaluated: 2017-11-07. Review status: no assertion criteria provided. Collection method: clinical testing. Allele origin: germline. Affected: yes. Not counted in ClinVar's aggregate classification.

Literature cited by the submitters: PubMed 17657824 (cited by Labcorp Genetics (formerly Invitae), Labcorp); PubMed 19293843 (cited by Labcorp Genetics (formerly Invitae), Labcorp).

NM_000138.5(FBN1):c.7082C>A (p.Ser2361Ter)

Gene: FBN1 (fibrillin 1; minus strand). Cytogenetic location: 15q21.1.
Variant type: single nucleotide variant.
Coding change: c.7082C>A on transcript NM_000138.5 (MANE Select); coding-DNA position 7082, C replaced by A.
Protein change: p.Ser2361Ter; replaces serine 2361 with a stop codon.
Molecular consequence: nonsense.
Genome position (GRCh38, 1-based): chr15:48,427,689, G>T on the plus strand (C>A on the coding strand, the complement: FBN1 is on the minus strand). VCF-style: chr15-48427689-G-T. GRCh37 (hg19) VCF-style: chr15-48719886-G-T.
Other names: short protein forms S2361*.
Identifiers: ClinVar variation 549389 (VCV000549389.9), dbSNP rs397515844, ClinGen allele CA392329964.